The following is an entry in ClinVar:

NM_001329984.2(SRGAP2C):c.1212C>T (p.Val404=)

Genes: SRGAP2-AS1 (SRGAP2 antisense RNA 1; minus strand), SRGAP2C (SLIT-ROBO Rho GTPase activating protein 2C; plus strand). Cytogenetic location: 1p11.2.
Variant type: single nucleotide variant.
Coding change: c.1212C>T on transcript NM_001329984.2 (MANE Select); coding-DNA position 1212, C replaced by T.
Protein change: p.Val404=; no amino-acid change (valine 404 retained).
Molecular consequence: synonymous variant.
Genome position (GRCh38, 1-based): chr1:121,387,687, C>T. VCF-style: chr1-121387687-C-T. GRCh37 (hg19) VCF-style: chr1-121129548-C-T.
Other names: c.1209C>T, p.Val403= (NM_001271872.3).
Identifiers: ClinVar variation 3777818 (VCV003777818.7).

ClinVar aggregate classification (germline): Likely benign (1 of 4 stars; one submission).

Submission:

CeGaT Center for Human Genetics Tuebingen
Classification: Likely benign. Last evaluated: 2025-03-01. Review status: criteria provided, single submitter. Criteria: CeGaT Center For Human Genetics Tuebingen Variant Classification Criteria Version 2. Collection method: clinical testing. Allele origin: germline. Affected: yes. Observed: 1 variant allele.
Comment: SRGAP2C: BP4, BP7